The following is an entry in ClinVar:

NM_177438.3(DICER1):c.2531_2532del (p.Glu844fs)

Gene: DICER1 (dicer 1, ribonuclease III; minus strand). Cytogenetic location: 14q32.13.
Variant type: Deletion.
Coding change: c.2531_2532del on transcript NM_177438.3 (MANE Select); coding-DNA positions 2531 to 2532, 2 bases deleted (AG; older notation c.2531_2532delAG).
Protein change: p.Glu844fs; shifts the reading frame from glutamic acid 844.
Molecular consequence: frameshift variant.
Genome position (GRCh38, 1-based): chr14:95,107,998-95,107,999, CT deleted on the plus strand (AG on the coding strand, the reverse complement: DICER1 is on the minus strand); deleting any 2 consecutive bases within chr14:95,107,998-95,108,000 gives the same sequence; the c. name uses the placement nearest the transcript's 3' end. VCF-style (leftmost placement, unchanged base first): chr14-95107997-ACT-A. GRCh37 (hg19) VCF-style: chr14-95574334-ACT-A.
Other names: c.2531_2532del, p.Glu844fs (NM_001195573.1, NM_001271282.3, NM_001291628.2 and 1 more transcripts); short protein forms E844fs.
Identifiers: ClinVar variation 1368482 (VCV001368482.7), dbSNP rs2140025115, ClinGen allele CA2573150480.

ClinVar aggregate classification (germline): Pathogenic (1 of 4 stars; one submission).

Conditions:
DICER1-related tumor predisposition. Also called: DICER1-related pleuropulmonary blastoma cancer predisposition syndrome; DICER1 syndrome. Identifiers: Orphanet 284343, MedGen C3839822, MONDO:0100216.

Submission:

Labcorp Genetics (formerly Invitae), Labcorp
Classification: Pathogenic for DICER1-related tumor predisposition. Last evaluated: 2021-12-05. Review status: criteria provided, single submitter. Criteria: Invitae Variant Classification Sherloc (09022015). Collection method: clinical testing. Allele origin: germline.
Comment: This sequence change creates a premature translational stop signal (p.Glu844Valfs*17) in the DICER1 gene. It is expected to result in an absent or disrupted protein product. Loss-of-function variants in DICER1 are known to be pathogenic (PMID: 19556464, 21266384). This variant is not present in population databases (gnomAD no frequency). This variant has not been reported in the literature in individuals affected with DICER1-related conditions. For these reasons, this variant has been classified as Pathogenic.

Literature cited by the submitters: PubMed 19556464; PubMed 21266384.